The following is an entry in ClinVar:

NM_003183.6(ADAM17):c.1649-26T>C

Genes: ADAM17 (ADAM metallopeptidase domain 17; minus strand), IAH1 (isoamyl acetate hydrolyzing esterase 1 (putative); plus strand). Cytogenetic location: 2p25.1.
Variant type: single nucleotide variant.
Coding change: c.1649-26T>C on transcript NM_003183.6 (MANE Select); 26 bases into the intron before coding-DNA position 1649, T replaced by C.
Molecular consequence: intron variant.
Genome position (GRCh38, 1-based): chr2:9,497,274, A>G on the plus strand (T>C on the coding strand, the complement: ADAM17 is on the minus strand). VCF-style: chr2-9497274-A-G. GRCh37 (hg19) VCF-style: chr2-9637403-A-G.
Other names: c.989-26T>C (NM_001382777.1); c.752-26T>C (NM_001382778.1).
Identifiers: ClinVar variation 1244026 (VCV001244026.5), dbSNP rs41264175, ClinGen allele CA1523446.
Genomic context (GRCh38, chr2:9,497,274, plus strand): 5'-AGCATTTCCTGGAGGCGGGCACTCACTGCTATTACCTGGAAGCAAACACCAGTCATAACA[A>G]AAAGAATGAGTCACAGGTCCACCAGTTCTACAGGTGCATAATACGCTGTTTCTCATACAA-3'

ClinVar aggregate classification (germline): Benign. Review status: criteria provided, multiple submitters, no conflicts (2 of 4 stars). 3 submissions from 3 submitters: Benign (3). Last evaluated 2023-11-12.

Allele frequency attached by ClinVar (database versions not stated): 1000 Genomes Project 0.10064; 1000 Genomes Project 30x 0.10134; gnomAD 0.15450 and 0.15902; gnomAD exomes 0.15474 and 0.18769; TOPMed 0.15590; ExAC 0.15679; ESP Exome Variant Server 0.17407.
gnomAD v4.1: 297,666 of 1,612,508 alleles (18%); highest among the groups gnomAD compares: Middle Eastern, 29%; 29,654 homozygotes.

Submissions (3):

Unidad de Genómica Garrahan, Hospital de Pediatría Garrahan
Classification: Benign. Last evaluated: 2023-11-12. Review status: criteria provided, single submitter. Criteria: ACMG Guidelines, 2015. Collection method: clinical testing. Allele origin: germline. Affected: no. Observed: 21 variant alleles.
Comment: This variant is classified as Benign based on local population frequency. This variant was detected in 22% of patients studied by a panel of primary immunodeficiencies. Number of patients: 21. Only high quality variants are reported.

GeneDx
Classification: Benign. Last evaluated: 2018-11-10. Review status: criteria provided, single submitter. Criteria: GeneDx Variant Classification Process June 2021. Collection method: clinical testing. Allele origin: germline. Affected: yes.

Breakthrough Genomics
Classification: Benign. Review status: criteria provided, single submitter. Criteria: ACMG Guidelines, 2015. Collection method: not provided. Allele origin: germline. Inheritance: Autosomal recessive inheritance. Affected: yes.